The following is an entry in ClinVar:

NM_020791.4(TAOK1):c.1082C>A (p.Ala361Asp)

Gene: TAOK1 (TAO kinase 1; plus strand). Cytogenetic location: 17q11.2.
Variant type: single nucleotide variant.
Coding change: c.1082C>A on transcript NM_020791.4 (MANE Select); coding-DNA position 1082, C replaced by A.
Protein change: p.Ala361Asp; replaces alanine 361 with aspartic acid.
Molecular consequence: missense variant.
Genome position (GRCh38, 1-based): chr17:29,498,400, C>A. VCF-style: chr17-29498400-C-A. GRCh37 (hg19) VCF-style: chr17-27825418-C-A.
Other names: c.1082C>A, p.Ala361Asp (NM_025142.1); short protein forms A361D.
Identifiers: ClinVar variation 3363609 (VCV003363609.1).

ClinVar aggregate classification (germline): Uncertain significance (1 of 4 stars; one submission).

Submission:

GeneDx
Classification: Uncertain significance. Last evaluated: 2023-10-31. Review status: criteria provided, single submitter. Criteria: GeneDx Variant Classification Process June 2021. Collection method: clinical testing. Allele origin: germline. Affected: yes.
Comment: Not observed at significant frequency in large population cohorts (gnomAD); In silico analysis supports that this missense variant has a deleterious effect on protein structure/function; Has not been previously published as pathogenic or benign to our knowledge